The following is an entry in ClinVar:

ClinVar aggregate classification (germline): Uncertain significance (1 of 4 stars; one submission).

Submission:

GeneDx
Classification: Uncertain significance. Last evaluated: 2025-05-28. Review status: criteria provided, single submitter. Criteria: GeneDx Variant Classification Process June 2021. Collection method: clinical testing. Allele origin: germline. Affected: yes.
Comment: Not observed at significant frequency in large population cohorts (gnomAD); In silico analysis supports that this missense variant has a deleterious effect on protein structure/function; Not located in the triple helical region, where the majority of pathogenic missense variants occur (HGMD; PMID: 25240749); Has not been previously published as pathogenic or benign to our knowledge; This variant is associated with the following publications: (PMID: 25240749)

NM_001854.4(COL11A1):c.244C>T (p.Leu82Phe)

Gene: COL11A1 (collagen type XI alpha 1 chain; minus strand). Cytogenetic location: 1p21.1.
Variant type: single nucleotide variant.
Coding change: c.244C>T on transcript NM_001854.4 (MANE Select); coding-DNA position 244, C replaced by T.
Protein change: p.Leu82Phe; replaces leucine 82 with phenylalanine.
Molecular consequence: missense variant. On other transcripts: non-coding transcript variant (1).
Genome position (GRCh38, 1-based): chr1:103,082,835, G>A on the plus strand (C>T on the coding strand, the complement: COL11A1 is on the minus strand). VCF-style: chr1-103082835-G-A. GRCh37 (hg19) VCF-style: chr1-103548391-G-A.
Other names: c.244C>T, p.Leu82Phe (NM_001190709.2, NM_080629.3, NM_080630.4); short protein forms L82F.
Identifiers: ClinVar variation 4532406 (VCV004532406.1).